The following is an entry in ClinVar:

ClinVar aggregate classification (germline): Pathogenic (1 of 4 stars; one submission).

Submission:

Labcorp Genetics (formerly Invitae), Labcorp
Classification: Pathogenic. Last evaluated: 2022-08-23. Review status: criteria provided, single submitter. Criteria: Invitae Variant Classification Sherloc (09022015). Collection method: clinical testing. Allele origin: germline.
Comment: This sequence change creates a premature translational stop signal (p.Glu1015*) in the TRAPPC9 gene. It is expected to result in an absent or disrupted protein product. Loss-of-function variants in TRAPPC9 are known to be pathogenic (PMID: 2000476, 20004763, 20004764). This variant is not present in population databases (gnomAD no frequency). This variant has not been reported in the literature in individuals affected with TRAPPC9-related conditions. ClinVar contains an entry for this variant (Variation ID: 1401233). For these reasons, this variant has been classified as Pathogenic.

Literature cited by the submitters: PubMed 2000476; PubMed 20004763; PubMed 20004764.

NM_001160372.4(TRAPPC9):c.2749G>T (p.Glu917Ter)

Gene: TRAPPC9 (trafficking protein particle complex subunit 9; minus strand). Cytogenetic location: 8q24.3.
Variant type: single nucleotide variant.
Coding change: c.2749G>T on transcript NM_001160372.4 (MANE Select); coding-DNA position 2749, G replaced by T.
Protein change: p.Glu917Ter; replaces glutamic acid 917 with a stop codon.
Molecular consequence: nonsense. On other transcripts: non-coding transcript variant (1), intron variant (1).
Genome position (GRCh38, 1-based): chr8:139,988,787, C>A on the plus strand (G>T on the coding strand, the complement: TRAPPC9 is on the minus strand). VCF-style: chr8-139988787-C-A. GRCh37 (hg19) VCF-style: chr8-140998995-C-A.
Other names: c.2722G>T, p.Glu908Ter (NM_001321646.2); c.2770G>T, p.Glu924Ter (NM_001374682.1); c.2605G>T, p.Glu869Ter (NM_001374684.1); c.2749G>T, p.Glu917Ter (NM_031466.8); c.2699+35150G>T (NM_001374683.1); short protein forms E908*, E917*, E869*, E924*.
Identifiers: ClinVar variation 1401233 (VCV001401233.6), dbSNP rs2131709148, ClinGen allele CA372736919.